The following is an entry in ClinVar:

ClinVar aggregate classification (germline): Uncertain significance (1 of 4 stars; one submission).

Conditions:
CHARGE syndrome (CHARGE). Also called: Hittner Hirsch Kreh syndrome; CHARGE ASSOCIATION--COLOBOMA, HEART ANOMALY, CHOANAL ATRESIA, RETARDATION, GENITAL AND EAR ANOMALIES; Coloboma, heart anomaly, choanal atresia, retardation, genital and ear anomalies; CHARGE association; Hall-Hittner syndrome. Identifiers: Orphanet 138, MedGen C0265354, MONDO:0008965.

Submission:

Dasa
Classification: Uncertain significance for CHARGE syndrome. Last evaluated: 2025-06-01. Review status: criteria provided, single submitter. Criteria: DASA Assertion Criteria. Collection method: clinical testing. Allele origin: germline.
Comment: NM_017780.4(CHD7):c.5914G>C (p.Ala1972Pro) is a missense variant that results in the substitution of alanine with proline. This variant is absent from population databases. Computational prediction algorithms are consistent with a deleterious effect. The currently available literature and clinical evidence are not sufficient to establish a definitive association between this variant and the reported condition. Therefore, this variant is classified as a variant of uncertain significance.

NM_017780.4(CHD7):c.5914G>C (p.Ala1972Pro)

Gene: CHD7 (chromodomain helicase DNA binding protein 7; plus strand). Cytogenetic location: 8q12.2.
Variant type: single nucleotide variant.
Coding change: c.5914G>C on transcript NM_017780.4 (MANE Select); coding-DNA position 5914, G replaced by C.
Protein change: p.Ala1972Pro; replaces alanine 1972 with proline.
Molecular consequence: missense variant. On other transcripts: intron variant (1).
Genome position (GRCh38, 1-based): chr8:60,852,517, G>C. VCF-style: chr8-60852517-G-C. GRCh37 (hg19) VCF-style: chr8-61765076-G-C.
Other names: c.1717-9712G>C (NM_001316690.1); short protein forms A1972P.
Identifiers: ClinVar variation 4881405 (VCV004881405.2).